The following is an entry in ClinVar:

NM_015102.5(NPHP4):c.1222C>T (p.Pro408Ser)

Gene: NPHP4 (nephrocystin 4; minus strand). Cytogenetic location: 1p36.31.
Variant type: single nucleotide variant.
Coding change: c.1222C>T on transcript NM_015102.5 (MANE Select); coding-DNA position 1222, C replaced by T.
Protein change: p.Pro408Ser; replaces proline 408 with serine.
Molecular consequence: missense variant. On other transcripts: 5 prime UTR variant (2), non-coding transcript variant (1).
Genome position (GRCh38, 1-based): chr1:5,933,227, G>A on the plus strand (C>T on the coding strand, the complement: NPHP4 is on the minus strand). VCF-style: chr1-5933227-G-A. GRCh37 (hg19) VCF-style: chr1-5993287-G-A.
Other names: c.-145C>T (NM_001291593.2, NM_001291594.2); short protein forms P408S.
Identifiers: ClinVar variation 857134 (VCV000857134.11), dbSNP rs201192228, ClinGen allele CA554595.
Genomic context (GRCh38, chr1:5,933,227, plus strand): 5'-CTGAGGGTACCTTGTAGACCAGACAGTGCGAGGGGTTGGGCTGGATCCCACCCTGCAGAG[G>A]CAGGGTCACCCTTCCAGAATCAGCTTCCAGCAAGGGGTTCCAAACAGCCCAGCGGACCAT-3'
Protein context (NP_055917.1, residues 398-418): LEADSGRVTL[Pro408Ser]LQGGIQPNPS

ClinVar aggregate classification (germline): Uncertain significance. Review status: criteria provided, multiple submitters, no conflicts (2 of 4 stars). 4 submissions from 4 submitters: Uncertain significance (3). 1 of the submissions does not count toward it. Last evaluated 2025-06-12.

Conditions:
Nephronophthisis 4 (NPHP4). Also called: NEPHRONOPHTHISIS 4, JUVENILE. Identifiers: Orphanet 655, MedGen C1847013, MONDO:0011752, OMIM 606966.
Senior-Loken syndrome 4 (SLSN4). Identifiers: Orphanet 3156, MedGen C1846979, MONDO:0011756, OMIM 606996.
NPHP4-related disorder. Also called: NPHP4-related condition; NPHP4-related disorders. Identifiers: MedGen CN239384.
Nephronophthisis. Also called: Juvenile Nephronophthisis. Identifiers: Orphanet 655, MedGen C0687120, MONDO:0019005, HP:0000090.

Allele frequency attached by ClinVar (database versions not stated): gnomAD exomes 0.00001 and 0.00002; ExAC 0.00003; gnomAD 0.00006 and 0.00007; TOPMed 0.00010; ESP Exome Variant Server 0.00016; 1000 Genomes Project 0.00020; 1000 Genomes Project 30x 0.00047.
gnomAD v4.1: 23 of 1,613,926 alleles (0.0014%); highest among the groups gnomAD compares: African/African-American, 0.023%; no homozygotes.

Submissions (4):

Labcorp Genetics (formerly Invitae), Labcorp
Classification: Uncertain significance for Nephronophthisis. Last evaluated: 2025-06-12. Review status: criteria provided, single submitter. Criteria: Invitae Variant Classification Sherloc (09022015). Collection method: clinical testing. Allele origin: germline.
Comment: This sequence change replaces proline, which is neutral and non-polar, with serine, which is neutral and polar, at codon 408 of the NPHP4 protein (p.Pro408Ser). This variant is present in population databases (rs201192228, gnomAD 0.02%). This variant has not been reported in the literature in individuals affected with NPHP4-related conditions. ClinVar contains an entry for this variant (Variation ID: 857134). Invitae Evidence Modeling of protein sequence and biophysical properties (such as structural, functional, and spatial information, amino acid conservation, physicochemical variation, residue mobility, and thermodynamic stability) indicates that this missense variant is expected to disrupt NPHP4 protein function with a positive predictive value of 80%. In summary, the available evidence is currently insufficient to determine the role of this variant in disease. Therefore, it has been classified as a Variant of Uncertain Significance.

Blueprint Genetics
Classification: Uncertain significance. Last evaluated: 2024-11-25. Review status: criteria provided, single submitter. Criteria: ACMG Guidelines, 2015. Collection method: clinical testing. Allele origin: germline.

Fulgent Genetics
Classification: Uncertain significance for Nephronophthisis 4; Senior-Loken syndrome 4. Last evaluated: 2024-05-06. Review status: criteria provided, single submitter. Criteria: ACMG Guidelines, 2015. Collection method: clinical testing. Allele origin: germline.

PreventionGenetics, part of Exact Sciences
Classification: Uncertain significance for NPHP4-related condition. Last evaluated: 2023-12-26. Review status: no assertion criteria provided. Collection method: clinical testing. Allele origin: germline. Not counted in ClinVar's aggregate classification.
Comment: The NPHP4 c.1222C>T variant is predicted to result in the amino acid substitution p.Pro408Ser. This variant has been reported to be maternally inherited in an individual with tetralogy of fallot (Table S3, Ekure et al. 2021. PubMed ID: 33448881). This variant is reported in 0.026% of alleles in individuals of African descent in gnomAD. At this time, the clinical significance of this variant is uncertain due to the absence of conclusive functional and genetic evidence.